The following is an entry in ClinVar:

ClinVar aggregate classification (germline): Uncertain significance (1 of 4 stars; one submission).

Allele frequency attached by ClinVar (database versions not stated): gnomAD exomes below 0.00001; TOPMed below 0.00001.
gnomAD v4.1: 5 of 1,614,188 alleles (0.00031%); highest among the groups gnomAD compares: East Asian, 0.0045%; no homozygotes.

Submission:

Labcorp Genetics (formerly Invitae), Labcorp
Classification: Uncertain significance. Last evaluated: 2024-02-24. Review status: criteria provided, single submitter. Criteria: Invitae Variant Classification Sherloc (09022015). Collection method: clinical testing. Allele origin: germline.
Comment: This sequence change creates a premature translational stop signal (p.Gln136*) in the EXOSC2 gene. It is expected to result in an absent or disrupted protein product. However, the current clinical and genetic evidence is not sufficient to establish whether loss-of-function variants in EXOSC2 cause disease. This variant is present in population databases (no rsID available, gnomAD 0.005%). This variant has not been reported in the literature in individuals affected with EXOSC2-related conditions. ClinVar contains an entry for this variant (Variation ID: 1964223). Algorithms developed to predict the effect of sequence changes on RNA splicing suggest that this variant may disrupt the consensus splice site. In summary, the available evidence is currently insufficient to determine the role of this variant in disease. Therefore, it has been classified as a Variant of Uncertain Significance.

NM_014285.7(EXOSC2):c.406C>T (p.Gln136Ter)

Gene: EXOSC2 (exosome component 2; plus strand). Cytogenetic location: 9q34.12.
Variant type: single nucleotide variant.
Coding change: c.406C>T on transcript NM_014285.7 (MANE Select); coding-DNA position 406, C replaced by T.
Protein change: p.Gln136Ter; replaces glutamine 136 with a stop codon.
Molecular consequence: nonsense. On other transcripts: non-coding transcript variant (1).
Genome position (GRCh38, 1-based): chr9:130,699,374, C>T. VCF-style: chr9-130699374-C-T. GRCh37 (hg19) VCF-style: chr9-133574761-C-T.
Other names: c.406C>T, p.Gln136Ter (NM_001282708.1); c.316C>T, p.Gln106Ter (NM_001282709.1); short protein forms Q106*, Q136*.
Identifiers: ClinVar variation 1964223 (VCV001964223.5), dbSNP rs1284242111, ClinGen allele CA375247567.